The following is an entry in ClinVar:

ClinVar aggregate classification (germline): Likely benign (1 of 4 stars; one submission).

Submission:

CeGaT Center for Human Genetics Tuebingen
Classification: Likely benign. Last evaluated: 2024-06-01. Review status: criteria provided, single submitter. Criteria: CeGaT Center For Human Genetics Tuebingen Variant Classification Criteria Version 2. Collection method: clinical testing. Allele origin: germline. Affected: yes. Observed: 1 variant allele.
Comment: TTN: PM2:Supporting, BP4, BP7

NM_001267550.2(TTN):c.88227T>G (p.Arg29409=)

Genes: TTN (titin; minus strand), TTN-AS1 (TTN antisense RNA 1; plus strand). Cytogenetic location: 2q31.2.
Variant type: single nucleotide variant.
Coding change: c.88227T>G on transcript NM_001267550.2 (MANE Select); coding-DNA position 88227, T replaced by G.
Protein change: p.Arg29409=; no amino-acid change (arginine 29409 retained).
Molecular consequence: synonymous variant.
Genome position (GRCh38, 1-based): chr2:178,556,927, A>C on the plus strand (T>G on the coding strand, the complement: TTN is on the minus strand). VCF-style: chr2-178556927-A-C. GRCh37 (hg19) VCF-style: chr2-179421654-A-C.
Other names: c.83304T>G, p.Arg27768= (NM_001256850.1); c.61032T>G, p.Arg20344= (NM_003319.4); c.80523T>G, p.Arg26841= (NM_133378.4); c.61407T>G, p.Arg20469= (NM_133432.3); c.61608T>G, p.Arg20536= (NM_133437.4).
Identifiers: ClinVar variation 3250860 (VCV003250860.18), dbSNP rs2469504000.